The following is an entry in ClinVar:

NM_138694.4(PKHD1):c.5962_6010dup (p.Pro2004delinsHisProCysPheTer)

Gene: PKHD1 (PKHD1 ciliary IPT domain containing fibrocystin/polyductin; minus strand). Cytogenetic location: 6p12.2.
Variant type: Duplication.
Coding change: c.5962_6010dup on transcript NM_138694.4 (MANE Select); coding-DNA positions 5962 to 6010, 49 bases duplicated.
Protein change: p.Pro2004delinsHisProCysPheTer.
Molecular consequence: nonsense.
Genome position (GRCh38, 1-based): chr6:51,934,221-51,934,269, 49 bases duplicated; duplicating any 49 consecutive bases within chr6:51,934,221-51,934,270 gives the same sequence; the c. name uses the placement nearest the transcript's 3' end. GRCh37 (hg19): chr6:51,799,020-51,799,068.
Other names: c.5962_6010dup, p.Pro2004delinsHisProCysPheTer (NM_170724.3); c.5962_6010dupATCCTTGTTTCTGATGGTGGAGAGCTCCGGATTGGATCCGAAGACAAGC (NM_138694.3).
Identifiers: ClinVar variation 3240126 (VCV003240126.2), dbSNP rs2537012799.

ClinVar aggregate classification (germline): Likely pathogenic. Review status: criteria provided, multiple submitters, no conflicts (2 of 4 stars). 2 submissions from 2 submitters: Likely pathogenic (2). Last evaluated 2024-12-05.

Conditions:
Polycystic kidney disease 4 (PKD4). Also called: POLYCYSTIC KIDNEY DISEASE 4 WITH OR WITHOUT POLYCYSTIC LIVER DISEASE; PKD3; POLYCYSTIC KIDNEY AND HEPATIC DISEASE 1; POLYCYSTIC KIDNEY DISEASE, INFANTILE, TYPE I; Autosomal Recessive Polycystic Kidney Disease – PKHD1. Identifiers: MedGen C4540575, MONDO:0033004, OMIM 263200.
Autosomal recessive polycystic kidney disease (ARPKD). Also called: AR polycystic kidney disease. Identifiers: Orphanet 731, Orphanet 8378, MedGen C0085548, MeSH D017044, MONDO:0009889.

Submissions (2):

Natera, Inc.
Classification: Likely pathogenic for Autosomal recessive polycystic kidney disease. Last evaluated: 2024-12-05. Review status: criteria provided, single submitter. Criteria: Natera Variant Classification Schema (03/2026). Collection method: clinical testing. Allele origin: germline.
Comment: The c.5962_6010dupATCCTTGTTTCTGATGGTGGAGAGCTCCGGATTGGATCCGAAGACAAGC variant in PKHD1 is a frameshift variant predicted to shift the reading frame beginning at codon 2004 and leads to a stop codon 5 codons downstream. This variant is expected to result in nonsense mediated decay, truncation, or a dysfunctional protein product. This variant is rare in the general population with a frequency below the threshold expected for the associated phenotype(s). Given the available evidence, this variant is classified as Likely Pathogenic.

Baylor Genetics
Classification: Likely pathogenic for Polycystic kidney disease 4. Last evaluated: 2024-03-12. Review status: criteria provided, single submitter. Criteria: ACMG Guidelines, 2015. Collection method: clinical testing. Allele origin: unknown.